The following is an entry in ClinVar:

ClinVar aggregate classification (germline): Uncertain significance (1 of 4 stars; one submission).

Conditions:
MAGEL2-related disorder. Also called: MAGEL2-related condition.

Submission:

PreventionGenetics, part of Exact Sciences
Classification: Uncertain significance for MAGEL2-related condition. Last evaluated: 2026-05-12. Review status: criteria provided, single submitter. Criteria: ACMG Guidelines, 2015. Collection method: clinical testing. Allele origin: germline.
Comment: The MAGEL2 c.377G>A variant is predicted to result in the amino acid substitution p.Gly126Glu. To our knowledge, this variant has not been reported in the literature. This variant is reported in 0.012% of alleles in individuals of African descent in gnomAD; however, this variant falls within a paralogous region and allele frequencies should be interpreted with caution. At this time, the clinical significance of this variant is uncertain due to the absence of conclusive functional and genetic evidence.

NM_019066.5(MAGEL2):c.377G>A (p.Gly126Glu)

Gene: MAGEL2 (MAGE family member L2; minus strand). Cytogenetic location: 15q11.2.
Variant type: single nucleotide variant.
Coding change: c.377G>A on transcript NM_019066.5 (MANE Select); coding-DNA position 377, G replaced by A.
Protein change: p.Gly126Glu; replaces glycine 126 with glutamic acid.
Molecular consequence: missense variant.
Genome position (GRCh38, 1-based): chr15:23,647,366, C>T on the plus strand (G>A on the coding strand, the complement: MAGEL2 is on the minus strand). VCF-style: chr15-23647366-C-T. GRCh37 (hg19) VCF-style: chr15-23892513-C-T.
Other names: short protein forms G126E.
Identifiers: ClinVar variation 3348234 (VCV003348234.2).
Genomic context (GRCh38, chr15:23,647,366, plus strand): 5'-CCCGGAGGAGGAGGATGGGCCATGGGAGCTCCGGGAGCTGAAGGATGCACCATCAGGACT[C>T]CCGGGGTCGGAGGCTGGGCCATCGGGGCTCCCGGAGGTGGAGGATGCACCATCAGGACCC-3'
Protein context (NP_061939.3, residues 116-136): GAPMAQPPTP[Gly126Glu]VLMVHPSAPG